The following is an entry in ClinVar:

ClinVar aggregate classification (germline): Uncertain significance (1 of 4 stars; one submission).

Conditions:
RASopathy. Also called: Noonan spectrum disorder; rasopathies. Identifiers: Orphanet 536391, MedGen C5555857, MONDO:0021060.

gnomAD v4.1: 4 of 1,577,976 alleles (0.00025%); highest among the groups gnomAD compares: South Asian, 0.0011%; no homozygotes.

Submission:

Labcorp Genetics (formerly Invitae), Labcorp
Classification: Uncertain significance for RASopathy. Last evaluated: 2024-02-24. Review status: criteria provided, single submitter. Criteria: Invitae Variant Classification Sherloc (09022015). Collection method: clinical testing. Allele origin: germline.
Comment: This sequence change replaces serine, which is neutral and polar, with proline, which is neutral and non-polar, at codon 9 of the CBL protein (p.Ser9Pro). The frequency data for this variant in the population databases is considered unreliable, as metrics indicate poor data quality at this position in the gnomAD database. This variant has not been reported in the literature in individuals affected with CBL-related conditions. ClinVar contains an entry for this variant (Variation ID: 1430170). Advanced modeling of protein sequence and biophysical properties (such as structural, functional, and spatial information, amino acid conservation, physicochemical variation, residue mobility, and thermodynamic stability) performed at Invitae indicates that this missense variant is not expected to disrupt CBL protein function with a negative predictive value of 95%. In summary, the available evidence is currently insufficient to determine the role of this variant in disease. Therefore, it has been classified as a Variant of Uncertain Significance.

NM_005188.4(CBL):c.25T>C (p.Ser9Pro)

Genes: CBL (Cbl proto-oncogene; plus strand), LOC130006895 (ATAC-STARR-seq lymphoblastoid silent region 3975; plus strand). Cytogenetic location: 11q23.3.
Variant type: single nucleotide variant.
Coding change: c.25T>C on transcript NM_005188.4 (MANE Select); coding-DNA position 25, T replaced by C.
Protein change: p.Ser9Pro; replaces serine 9 with proline.
Molecular consequence: missense variant.
Genome position (GRCh38, 1-based): chr11:119,206,442, T>C. VCF-style: chr11-119206442-T-C. GRCh37 (hg19) VCF-style: chr11-119077152-T-C.
Other names: short protein forms S9P.
Identifiers: ClinVar variation 1430170 (VCV001430170.6), dbSNP rs1170501749, ClinGen allele CA382975675.
Genomic context (GRCh38, chr11:119,206,442, plus strand): 5'-CGGCGGACCCGCCTGGGCTCCGACCCTGCCCAGGCCATGGCCGGCAACGTGAAGAAGAGC[T>C]CTGGGGCCGGGGGCGGCAGCGGCTCCGGGGGCTCGGGTTCGGGTGGCCTGATTGGGCTCA-3'
Protein context (NP_005179.2, residues 1-19): MAGNVKKS[Ser9Pro]GAGGGSGSGG